The following is an entry in ClinVar:

ClinVar aggregate classification (germline): Likely benign (0 of 4 stars; one submission).

Conditions:
CDH23-related disorder. Also called: CDH23-related condition; CDH23-related disorders.

gnomAD v4.1: 8 of 1,598,920 alleles (0.0005%); highest among the groups gnomAD compares: Admixed American, 0.012%; no homozygotes.

Submission:

PreventionGenetics, part of Exact Sciences
Classification: Likely benign for CDH23-related condition. Last evaluated: 2024-08-05. Review status: no assertion criteria provided. Collection method: clinical testing. Allele origin: germline.
Comment: This variant is classified as likely benign based on ACMG/AMP sequence variant interpretation guidelines (Richards et al. 2015 PMID: 25741868, with internal and published modifications).

NM_022124.6(CDH23):c.9381-190A>T

Gene: CDH23 (cadherin related 23; plus strand). Cytogenetic location: 10q22.1.
Variant type: single nucleotide variant.
Coding change: c.9381-190A>T on transcript NM_022124.6 (MANE Select); 190 bases into the intron before coding-DNA position 9381, A replaced by T.
Molecular consequence: intron variant. On other transcripts: 5 prime UTR variant (2).
Genome position (GRCh38, 1-based): chr10:71,812,290, A>T. VCF-style: chr10-71812290-A-T. GRCh37 (hg19) VCF-style: chr10-73572047-A-T.
Other names: c.-2A>T (NM_001171935.1, NM_001171936.1); c.2661-190A>T (NM_001171933.1, NM_001171934.1).
Identifiers: ClinVar variation 3358423 (VCV003358423.1).